The following is an entry in ClinVar:

ClinVar aggregate classification (germline): Uncertain significance (1 of 4 stars; one submission).

Conditions:
Renal carnitine transport defect (CDSP). Also called: Systemic primary carnitine deficiency; Primary carnitine deficiency; CARNITINE DEFICIENCY, SYSTEMIC, DUE TO DEFECT IN RENAL REABSORPTION OF CARNITINE; CARNITINE TRANSPORTER, PLASMA-MEMBRANE, DEFICIENCY OF; CARNITINE UPTAKE DEFECT; Carnitine transporter deficiency. Identifiers: Orphanet 158, MedGen C0342788, MONDO:0008919, OMIM 212140.

Allele frequency attached by ClinVar (database versions not stated): gnomAD exomes below 0.00001.
gnomAD v4.1: 2 of 1,612,600 alleles (0.00012%); highest among the groups gnomAD compares: Non-Finnish European, 0.00017%; no homozygotes.

Submission:

Labcorp Genetics (formerly Invitae), Labcorp
Classification: Uncertain significance for Renal carnitine transport defect. Last evaluated: 2021-08-27. Review status: criteria provided, single submitter. Criteria: Invitae Variant Classification Sherloc (09022015). Collection method: clinical testing. Allele origin: germline.
Comment: This sequence change replaces phenylalanine with leucine at codon 41 of the SLC22A5 protein (p.Phe41Leu). The phenylalanine residue is highly conserved and there is a small physicochemical difference between phenylalanine and leucine. This variant is not present in population databases (ExAC no frequency). This variant has not been reported in the literature in individuals affected with SLC22A5-related conditions. Advanced modeling of protein sequence and biophysical properties (such as structural, functional, and spatial information, amino acid conservation, physicochemical variation, residue mobility, and thermodynamic stability) performed at Invitae indicates that this missense variant is expected to disrupt SLC22A5 protein function. In summary, the available evidence is currently insufficient to determine the role of this variant in disease. Therefore, it has been classified as a Variant of Uncertain Significance.

NM_003060.4(SLC22A5):c.123C>G (p.Phe41Leu)

Gene: SLC22A5 (solute carrier family 22 member 5; plus strand). Cytogenetic location: 5q31.1.
Variant type: single nucleotide variant.
Coding change: c.123C>G on transcript NM_003060.4 (MANE Select); coding-DNA position 123, C replaced by G.
Protein change: p.Phe41Leu; replaces phenylalanine 41 with leucine.
Molecular consequence: missense variant.
Genome position (GRCh38, 1-based): chr5:132,370,095, C>G. VCF-style: chr5-132370095-C-G. GRCh37 (hg19) VCF-style: chr5-131705787-C-G.
Other names: c.123C>G, p.Phe41Leu (NM_001308122.2); short protein forms F41L.
Identifiers: ClinVar variation 1412805 (VCV001412805.5), dbSNP rs2126764960, ClinGen allele CA360802425.